The following is an entry in ClinVar:

NM_000257.4(MYH7):c.5664A>G (p.Gln1888=)

Gene: MYH7 (myosin heavy chain 7; minus strand). Cytogenetic location: 14q11.2.
Variant type: single nucleotide variant.
Coding change: c.5664A>G on transcript NM_000257.4 (MANE Select); coding-DNA position 5664, A replaced by G.
Protein change: p.Gln1888=; no amino-acid change (glutamine 1888 retained).
Molecular consequence: synonymous variant.
Genome position (GRCh38, 1-based): chr14:23,413,885, T>C on the plus strand (A>G on the coding strand, the complement: MYH7 is on the minus strand). VCF-style: chr14-23413885-T-C. GRCh37 (hg19) VCF-style: chr14-23883094-T-C.
Identifiers: ClinVar variation 525107 (VCV000525107.13), dbSNP rs540350007, ClinGen allele CA047949.

ClinVar aggregate classification (germline): Likely benign. Review status: criteria provided, multiple submitters, no conflicts (2 of 4 stars). 4 submissions from 4 submitters: Likely benign (4). Last evaluated 2024-07-19.

Conditions:
Hypertrophic cardiomyopathy. Also called: HYPERTROPHIC MYOCARDIOPATHY. Identifiers: Orphanet 217569, MedGen C0007194, MeSH D002312, MONDO:0005045, HP:0001639.
Cardiomyopathy (CMYO). Also called: Cardiomyopathies. Identifiers: Orphanet 167848, MedGen C0878544, MONDO:0004994, HP:0001638. Inheritance: Various modes of inheritance.
Cardiovascular phenotype. Identifiers: MedGen CN230736.

Allele frequency attached by ClinVar (database versions not stated): gnomAD 0.00003 and 0.00002; 1000 Genomes Project 0.00020; ExAC 0.00001; 1000 Genomes Project 30x 0.00031; gnomAD exomes below 0.00001.
gnomAD v4.1: 8 of 1,614,226 alleles (0.0005%); highest among the groups gnomAD compares: African/African-American, 0.011%; no homozygotes.

Submissions (4):

Labcorp Genetics (formerly Invitae), Labcorp
Classification: Likely benign for Hypertrophic cardiomyopathy. Last evaluated: 2024-07-19. Review status: criteria provided, single submitter. Criteria: Invitae Variant Classification Sherloc (09022015). Collection method: clinical testing. Allele origin: germline.

All of Us Research Program, National Institutes of Health
Classification: Likely benign for Cardiomyopathy. Last evaluated: 2024-04-25. Review status: criteria provided, single submitter. Criteria: ACMG Guidelines, 2015. Collection method: clinical testing. Allele origin: germline. Inheritance: Autosomal dominant inheritance. Observed: 1 variant allele, 1 heterozygote.
Comment: This study involves interpretation of variants in research participants for the purpose of population health screening. Participant phenotype was not available at the time of variant classification. Additional details can be found in publication PMID: 35346344, PMCID: PMC8962531

Ambry Genetics
Classification: Likely benign for Cardiovascular phenotype. Last evaluated: 2020-09-30. Review status: criteria provided, single submitter. Criteria: Ambry Variant Classification Scheme 2023. Collection method: clinical testing. Allele origin: germline.

Breakthrough Genomics
Classification: Likely benign. Review status: criteria provided, single submitter. Criteria: ACMG Guidelines, 2015. Collection method: not provided. Allele origin: germline. Inheritance: Autosomal recessive inheritance. Affected: yes.